The following is an entry in ClinVar:

NM_004369.4(COL6A3):c.286_287insG (p.Tyr96Ter)

Gene: COL6A3 (collagen type VI alpha 3 chain; minus strand). Cytogenetic location: 2q37.3.
Variant type: Insertion.
Coding change: c.286_287insG on transcript NM_004369.4 (MANE Select); coding-DNA positions 286 to 287, G inserted.
Protein change: p.Tyr96Ter; replaces tyrosine 96 with a stop codon.
Molecular consequence: nonsense. On other transcripts: intron variant (4).
Genome position: GRCh38 VCF-style: chr2-237395009-T-TC. GRCh37 (hg19) VCF-style: chr2-238303652-T-TC.
Other names: c.91+1717_91+1718insG (NM_057166.5, NM_057167.4, NM_057164.5 and 1 more transcripts); short protein forms Y96*.
Identifiers: ClinVar variation 5038216 (VCV005038216.1).

ClinVar aggregate classification (germline): Likely pathogenic (1 of 4 stars; one submission).

Conditions:
Bethlem myopathy 1C (BTHLM1C). Identifiers: MedGen C5935581, MONDO:0958234, OMIM 620726.

Submission:

MVZ Medizinische Genetik Mainz
Classification: Likely pathogenic for Bethlem myopathy 1C. Last evaluated: 2026-02-26. Review status: criteria provided, single submitter. Criteria: UK Practice Guidelines For Variant Classification V4 01 2020. Collection method: clinical testing. Allele origin: germline. Inheritance: Autosomal dominant inheritance. Affected: yes. Observed: 1 variant allele.
Comment: ACMG Criteria: PVS1,PM2_SUP